The following is an entry in ClinVar:

NM_006059.4(LAMC3):c.2956A>G (p.Arg986Gly)

Gene: LAMC3 (laminin subunit gamma 3; plus strand). Cytogenetic location: 9q34.12.
Variant type: single nucleotide variant.
Coding change: c.2956A>G on transcript NM_006059.4 (MANE Select); coding-DNA position 2956, A replaced by G.
Protein change: p.Arg986Gly; replaces arginine 986 with glycine.
Molecular consequence: missense variant.
Genome position (GRCh38, 1-based): chr9:131,069,737, A>G. VCF-style: chr9-131069737-A-G. GRCh37 (hg19) VCF-style: chr9-133945124-A-G.
Other names: short protein forms R986G.
Identifiers: ClinVar variation 5037168 (VCV005037168.1).

ClinVar aggregate classification (germline): Uncertain significance (1 of 4 stars; one submission).

gnomAD v4.1: 1 of 1,601,870 alleles (0.000062%); highest among the groups gnomAD compares: Non-Finnish European, 0.000085%; no homozygotes.

Submission:

GeneDx
Classification: Uncertain significance. Last evaluated: 2026-04-14. Review status: criteria provided, single submitter. Criteria: GeneDx Variant Classification Process June 2021. Collection method: clinical testing. Allele origin: germline.
Comment: Not observed at significant frequency in large population cohorts (gnomAD); In silico analysis supports that this missense variant has a deleterious effect on protein structure/function; Has not been previously published as pathogenic or benign to our knowledge